The following is an entry in ClinVar:

ClinVar aggregate classification (germline): Uncertain significance (1 of 4 stars; one submission).

Conditions:
Leigh syndrome (NULS). Also called: Leigh's necrotizing encephalopathy; Leigh's disease; Leigh Syndrome (mtDNA deletion); Leigh Disease; Subacute necrotizing encephalopathy; Necrotizing encephalopathy infantile subacute of Leigh. Identifiers: Orphanet 506, MedGen C2931891, MONDO:0009723, OMIM 256000.

Submission:

Wong Mito Lab, Molecular and Human Genetics, Baylor College of Medicine
Classification: Uncertain significance for Leigh syndrome. Last evaluated: 2019-10-17. Review status: criteria provided, single submitter. Criteria: Modified ACMG Guidelines (Unpublished). Collection method: clinical testing. Allele origin: germline.
Comment: The NC_012920.1:m.7868C>T (YP_003024029.1:p.Leu95Phe) variant in MTCO2 gene is interpretated to be a Uncertain Significance variant based on the modified ACMG guidelines (unpublished). This variant meets the following evidence codes: PP6, BS1, BP4

NC_012920.1(MT-CO2):m.7868C>T

Gene: MT-CO2 (mitochondrially encoded cytochrome c oxidase II; plus strand).
Variant type: single nucleotide variant.
Genome position: chrM-7868-C-T.
Identifiers: ClinVar variation 692791 (VCV000692791.1), dbSNP rs1556423357, ClinGen allele CA414794073.